The following is an entry in ClinVar:

ClinVar aggregate classification (germline): Uncertain significance (1 of 4 stars; one submission).

gnomAD v4.1: 2 of 1,609,284 alleles (0.00012%); highest among the groups gnomAD compares: African/African-American, 0.0027%; no homozygotes.

Submission:

Ambry Genetics
Classification: Uncertain significance. Last evaluated: 2025-09-12. Review status: criteria provided, single submitter. Criteria: Ambry Variant Classification Scheme 2023. Collection method: clinical testing. Allele origin: germline.
Comment: The p.C32R variant (also known as c.94T>C), located in coding exon 2 of the RAD51B gene, results from a T to C substitution at nucleotide position 94. The cysteine at codon 32 is replaced by arginine, an amino acid with highly dissimilar properties. This amino acid position is conserved. In addition, this alteration is predicted to be tolerated by in silico analysis. Based on the available evidence, the clinical significance of this variant remains unclear.

NM_133510.4(RAD51B):c.94T>C (p.Cys32Arg)

Gene: RAD51B (RAD51 paralog B; plus strand). Cytogenetic location: 14q24.1.
Variant type: single nucleotide variant.
Coding change: c.94T>C on transcript NM_133510.4 (MANE Select); coding-DNA position 94, T replaced by C.
Protein change: p.Cys32Arg; replaces cysteine 32 with arginine.
Molecular consequence: missense variant. On other transcripts: 5 prime UTR variant (2).
Genome position (GRCh38, 1-based): chr14:67,825,473, T>C. VCF-style: chr14-67825473-T-C. GRCh37 (hg19) VCF-style: chr14-68292190-T-C.
Other names: c.94T>C, p.Cys32Arg (NM_001321809.2, NM_001321810.2, NM_001321812.1 and 6 more transcripts); c.-21T>C (NM_001321815.1); c.-362T>C (NM_001321817.2); short protein forms C32R.
Identifiers: ClinVar variation 4149871 (VCV004149871.1).